The following is an entry in ClinVar:

NM_000219.6(KCNE1):c.64C>T (p.Gln22Ter)

Gene: KCNE1 (potassium voltage-gated channel subfamily E regulatory subunit 1; minus strand). Cytogenetic location: 21q22.12.
Variant type: single nucleotide variant.
Coding change: c.64C>T on transcript NM_000219.6 (MANE Select); coding-DNA position 64, C replaced by T.
Protein change: p.Gln22Ter; replaces glutamine 22 with a stop codon.
Molecular consequence: nonsense.
Genome position (GRCh38, 1-based): chr21:34,449,571, G>A on the plus strand (C>T on the coding strand, the complement: KCNE1 is on the minus strand). VCF-style: chr21-34449571-G-A. GRCh37 (hg19) VCF-style: chr21-35821869-G-A.
Other names: c.64C>T, p.Gln22Ter (NM_001127668.4, NM_001127669.4, NM_001127670.4 and 4 more transcripts); short protein forms Q22*.
Identifiers: ClinVar variation 3373949 (VCV003373949.2).

Conditions:
Long QT syndrome 5 (LQT5). Identifiers: Orphanet 101016, Orphanet 768, MedGen C1867904, MONDO:0013372, OMIM 613695.

Submission:

Roden Lab, Vanderbilt University Medical Center
No classification provided (evidence only). Condition: Long QT syndrome 5. Review status: no classification provided. Collection method: in vitro. Allele origin: not applicable. Functional consequence: Effect on ion channel function.
ClinVar note: "not provided" was previously submitted as the classification for the variant. However, the classification appeared to be based only on an observation of functional data so it was converted to no classification on 2025-07-30.